The following is an entry in ClinVar:

NM_005267.5(GJA8):c.925dup (p.Leu309fs)

Gene: GJA8 (gap junction protein alpha 8; plus strand). Cytogenetic location: 1q21.2.
Variant type: Duplication.
Coding change: c.925dup on transcript NM_005267.5 (MANE Select); coding-DNA position 925, one base duplicated (C; older notation c.925dupC).
Protein change: p.Leu309fs; shifts the reading frame from leucine 309.
Molecular consequence: frameshift variant.
Genome position (GRCh38, 1-based): chr1:147,908,880, C duplicated; the last of 4 consecutive C bases (chr1:147,908,877-147,908,880); duplicating any one gives the same sequence. VCF-style (leftmost placement, unchanged base first): chr1-147908876-A-AC. GRCh37 (hg19) VCF-style: chr1-147381003-A-AC.
Other names: short protein forms L309fs.
Identifiers: ClinVar variation 4998653 (VCV004998653.1).

ClinVar aggregate classification (germline): Likely pathogenic (1 of 4 stars; one submission).

Conditions:
GJA8-related disorder. Also called: GJA8-related condition.

Submission:

PreventionGenetics, part of Exact Sciences
Classification: Likely pathogenic for GJA8-related condition. Last evaluated: 2025-05-08. Review status: criteria provided, single submitter. Criteria: ACMG Guidelines, 2015. Collection method: clinical testing. Allele origin: germline.
Comment: The GJA8 c.925dupC variant is predicted to result in a frameshift and premature protein termination (p.Leu309Profs*71). To our knowledge, this variant has not been reported in the literature or in a large population database (gnomAD), indicating this variant is rare. Although the majority of pathogenic variants in GJA8 are missense variants transmitted in an autosomal dominant manner, biallelic protein truncating variants in GJA8 have been observed in families with autosomal recessive transmission of cataracts (Lin et al. 2023. PubMed ID: 36262071; Ponnam et al. 2007. PubMed ID: 17601931). Examination of carrier parents showed that they did not have congenital cataracts, but had a range of mild visual impairments with or without mild nuclear opacities, suggesting that truncating variants may possibly have reduced penetrance in the heterozygous state (Lin et al. 2023. PubMed ID: 36262071). Frameshift variants in GJA8 are expected to be pathogenic for autosomal recessive inheritance. At this time, the penetrance of protein truncating variants is not well understood for GJA8 autosomal dominant disorder. Based on this evidence, we interpret this variant is interpreted as likely pathogenic for autosomal recessive disease.